The following is an entry in ClinVar:

NM_001330260.2(SCN8A):c.4815A>G (p.Ile1605Met)

Gene: SCN8A (sodium voltage-gated channel alpha subunit 8; plus strand). Cytogenetic location: 12q13.13.
Variant type: single nucleotide variant.
Coding change: c.4815A>G on transcript NM_001330260.2 (MANE Select); coding-DNA position 4815, A replaced by G.
Protein change: p.Ile1605Met; replaces isoleucine 1605 with methionine.
Molecular consequence: missense variant.
Genome position (GRCh38, 1-based): chr12:51,806,301, A>G. VCF-style: chr12-51806301-A-G. GRCh37 (hg19) VCF-style: chr12-52200085-A-G.
Other names: c.4692A>G, p.Ile1564Met (NM_001177984.3, NM_001369788.1); c.4815A>G, p.Ile1605Met (NM_014191.4); short protein forms I1564M, I1605M.
Identifiers: ClinVar variation 4801287 (VCV004801287.1).
Genomic context (GRCh38, chr12:51,806,301, plus strand): 5'-TCCCATCTCAATAACATAACTTCTTCTATTCCTCTTCTTAGGAATGTTCCTGGCAGATAT[A>G]ATTGAGAAATACTTTGTTTCCCCAACCCTATTCCGAGTCATCCGATTGGCCCGTATTGGG-3'
Protein context (NP_001317189.1, residues 1595-1615): LSIVGMFLAD[Ile1605Met]IEKYFVSPTL

ClinVar aggregate classification (germline): Uncertain significance (1 of 4 stars; one submission).

Conditions:
Early-infantile DEE. Also called: Early infantile epileptic encephalopathy with suppression bursts; Early infantile epileptic encephalopathy; Ohtahara syndrome. Identifiers: Orphanet 1934, MedGen C0393706, MONDO:0800491.

Submission:

Labcorp Genetics (formerly Invitae), Labcorp
Classification: Uncertain significance for Early-infantile DEE. Last evaluated: 2025-08-31. Review status: criteria provided, single submitter. Criteria: Invitae Variant Classification Sherloc (09022015). Collection method: clinical testing. Allele origin: germline.
Comment: This sequence change replaces isoleucine, which is neutral and non-polar, with methionine, which is neutral and non-polar, at codon 1605 of the SCN8A protein (p.Ile1605Met). This variant is not present in population databases (gnomAD no frequency). This variant has not been reported in the literature in individuals affected with SCN8A-related conditions. Invitae Evidence Modeling of protein sequence and biophysical properties (such as structural, functional, and spatial information, amino acid conservation, physicochemical variation, residue mobility, and thermodynamic stability) indicates that this missense variant is not expected to disrupt SCN8A protein function with a negative predictive value of 95%. This variant disrupts the p.Ile1605 amino acid residue in SCN8A. Other variant(s) that disrupt this residue have been observed in individuals with SCN8A-related conditions (PMID: 25568300, 35230384, 36305856), which suggests that this may be a clinically significant amino acid residue. In summary, the available evidence is currently insufficient to determine the role of this variant in disease. Therefore, it has been classified as a Variant of Uncertain Significance.

Literature cited by the submitters: PubMed 25568300; PubMed 35230384; PubMed 36305856.